The following is an entry in ClinVar:

NM_024589.3(ROGDI):c.205G>T (p.Asp69Tyr)

Gene: ROGDI (rogdi atypical leucine zipper; minus strand). Cytogenetic location: 16p13.3.
Variant type: single nucleotide variant.
Coding change: c.205G>T on transcript NM_024589.3 (MANE Select); coding-DNA position 205, G replaced by T.
Protein change: p.Asp69Tyr; replaces aspartic acid 69 with tyrosine.
Molecular consequence: missense variant.
Genome position (GRCh38, 1-based): chr16:4,801,317, C>A on the plus strand (G>T on the coding strand, the complement: ROGDI is on the minus strand). VCF-style: chr16-4801317-C-A. GRCh37 (hg19) VCF-style: chr16-4851318-C-A.
Other names: short protein forms D69Y.
Identifiers: ClinVar variation 2190575 (VCV002190575.4), dbSNP rs780764745, ClinGen allele CA7882897.

ClinVar aggregate classification (germline): Uncertain significance (1 of 4 stars; one submission).

Conditions:
Amelocerebrohypohidrotic syndrome (KTZS). Also called: EPILEPSY AND YELLOW TEETH; EPILEPSY, DEMENTIA, AND AMELOGENESIS IMPERFECTA; Kohlschutter's syndrome; KOHLSCHUTTER SYNDROME. Identifiers: Orphanet 1946, MedGen C0406740, MONDO:0009185, OMIM 226750.

Allele frequency attached by ClinVar (database versions not stated): ExAC 0.00002.
gnomAD v4.1: 3 of 1,607,984 alleles (0.00019%); highest among the groups gnomAD compares: East Asian, 0.0067%; no homozygotes.

Submission:

Labcorp Genetics (formerly Invitae), Labcorp
Classification: Uncertain significance for Amelocerebrohypohidrotic syndrome. Last evaluated: 2022-04-20. Review status: criteria provided, single submitter. Criteria: Invitae Variant Classification Sherloc (09022015). Collection method: clinical testing. Allele origin: germline.
Comment: This variant has not been reported in the literature in individuals affected with ROGDI-related conditions. This variant is present in population databases (rs780764745, gnomAD 0.02%). This sequence change replaces aspartic acid, which is acidic and polar, with tyrosine, which is neutral and polar, at codon 69 of the ROGDI protein (p.Asp69Tyr). Algorithms developed to predict the effect of missense changes on protein structure and function (SIFT, PolyPhen-2, Align-GVGD) all suggest that this variant is likely to be disruptive. In summary, the available evidence is currently insufficient to determine the role of this variant in disease. Therefore, it has been classified as a Variant of Uncertain Significance. Algorithms developed to predict the effect of sequence changes on RNA splicing suggest that this variant may disrupt the consensus splice site.